The following is an entry in ClinVar:

ClinVar aggregate classification (germline): Uncertain significance. Review status: criteria provided, multiple submitters, no conflicts (2 of 4 stars). 3 submissions from 3 submitters: Uncertain significance (2). 1 of the submissions does not count toward it. Last evaluated 2022-09-06.

Conditions:
Neural tube defects, folate-sensitive (NTDFS). Also called: NTD, FOLATE-SENSITIVE. Identifiers: Orphanet 823, MedGen C1866558, MONDO:0011120, OMIM 601634.
Methylcobalamin deficiency type cblG (HMAG). Also called: Functional methionine synthase deficiency type cblG; HOMOCYSTINURIA-MEGALOBLASTIC ANEMIA DUE TO DEFECT IN COBALAMIN METABOLISM, cblG COMPLEMENTATION TYPE; HOMOCYSTINURIA-MEGALOBLASTIC ANEMIA, cblG COMPLEMENTATION TYPE; HOMOCYSTINURIA-MEGALOBLASTIC ANEMIA, cblG TYPE. Identifiers: Orphanet 2170, Orphanet 622, MedGen C1855128, MONDO:0009609, OMIM 250940.

Submissions (3):

Labcorp Genetics (formerly Invitae), Labcorp
Classification: Uncertain significance for Methylcobalamin deficiency type cblG. Last evaluated: 2022-09-06. Review status: criteria provided, single submitter. Criteria: Invitae Variant Classification Sherloc (09022015). Collection method: clinical testing. Allele origin: germline.
Comment: This variant, c.2640_2642del, results in the deletion of 1 amino acid(s) of the MTR protein (p.Ile881del), but otherwise preserves the integrity of the reading frame. This variant is present in population databases (rs765481871, gnomAD 0.004%). This variant has been observed in individual(s) with homocystinuria, cblG type (PMID: 8968736). In at least one individual the data is consistent with being in trans (on the opposite chromosome) from a pathogenic variant. ClinVar contains an entry for this variant (Variation ID: 14279). Experimental studies and prediction algorithms are not available or were not evaluated, and the functional significance of this variant is currently unknown. In summary, the available evidence is currently insufficient to determine the role of this variant in disease. Therefore, it has been classified as a Variant of Uncertain Significance.

Fulgent Genetics
Classification: Uncertain significance for Methylcobalamin deficiency type cblG; Neural tube defects, folate-sensitive. Last evaluated: 2021-07-06. Review status: criteria provided, single submitter. Criteria: ACMG Guidelines, 2015. Collection method: clinical testing. Allele origin: unknown.

OMIM
Classification: Pathogenic for HOMOCYSTINURIA-MEGALOBLASTIC ANEMIA, cblG COMPLEMENTATION TYPE. Last evaluated: 1996-12-01. Review status: no assertion criteria provided. Collection method: literature only. Allele origin: germline. Not counted in ClinVar's aggregate classification.

Literature cited by the submitters: PubMed 8968736 (cited by Labcorp Genetics (formerly Invitae), Labcorp and OMIM); PubMed 8968737 (cited by OMIM).

NM_000254.3(MTR):c.2640_2642del (p.Ile881del)

Gene: MTR (5-methyltetrahydrofolate-homocysteine methyltransferase; plus strand). Cytogenetic location: 1q43.
Variant type: Deletion.
Coding change: c.2640_2642del on transcript NM_000254.3 (MANE Select); coding-DNA positions 2640 to 2642, 3 bases deleted (AAT; older notation c.2640_2642delAAT).
Protein change: p.Ile881del; deletes isoleucine 881.
Molecular consequence: inframe deletion.
Genome position (GRCh38, 1-based): chr1:236,880,800-236,880,802, AAT deleted; deleting any 3 consecutive bases within chr1:236,880,799-236,880,802 gives the same sequence; the c. name uses the placement nearest the transcript's 3' end. VCF-style (leftmost placement, unchanged base first): chr1-236880798-GTAA-G. GRCh37 (hg19) VCF-style: chr1-237044098-GTAA-G.
Other names: c.2487_2489del, p.Ile830del (NM_001291939.1); c.1419_1421del, p.Ile474del (NM_001291940.2); short protein forms I881del, I474del, I830del.
Identifiers: ClinVar variation 14279 (VCV000014279.7), dbSNP rs797044443, ClinGen allele CA257193.